The following is an entry in ClinVar:

ClinVar aggregate classification (germline): Uncertain significance (1 of 4 stars; one submission).

Conditions:
Wilms tumor 1 (WT1). Also called: Wilms tumor, somatic. Identifiers: Orphanet 654, MedGen CN033288, MONDO:0008679, OMIM 194070.

Allele frequency attached by ClinVar (database versions not stated): gnomAD exomes below 0.00001.
gnomAD v4.1: 1 of 1,170,222 alleles (0.000085%); highest among the groups gnomAD compares: Non-Finnish European, 0.00011%; no homozygotes.

Submission:

Labcorp Genetics (formerly Invitae), Labcorp
Classification: Uncertain significance for Wilms tumor 1. Last evaluated: 2022-04-29. Review status: criteria provided, single submitter. Criteria: Invitae Variant Classification Sherloc (09022015). Collection method: clinical testing. Allele origin: germline.
Comment: This sequence change replaces glycine, which is neutral and non-polar, with arginine, which is basic and polar, at codon 3 of the GPC3 protein (p.Gly3Arg). This variant is not present in population databases (gnomAD no frequency). This variant has not been reported in the literature in individuals affected with GPC3-related conditions. Algorithms developed to predict the effect of missense changes on protein structure and function output the following: SIFT: "Deleterious"; PolyPhen-2: "Benign"; Align-GVGD: "Class C0". The arginine amino acid residue is found in multiple mammalian species, which suggests that this missense change does not adversely affect protein function. In summary, the available evidence is currently insufficient to determine the role of this variant in disease. Therefore, it has been classified as a Variant of Uncertain Significance.

NM_004484.4(GPC3):c.7G>C (p.Gly3Arg)

Gene: GPC3 (glypican 3; minus strand). Cytogenetic location: Xq26.2.
Variant type: single nucleotide variant.
Coding change: c.7G>C on transcript NM_004484.4 (MANE Select); coding-DNA position 7, G replaced by C.
Protein change: p.Gly3Arg; replaces glycine 3 with arginine.
Molecular consequence: missense variant.
Genome position (GRCh38, 1-based): chrX:133,985,443, C>G on the plus strand (G>C on the coding strand, the complement: GPC3 is on the minus strand). VCF-style: chrX-133985443-C-G. GRCh37 (hg19) VCF-style: chrX-133119470-C-G.
Other names: c.7G>C, p.Gly3Arg (NM_001164617.2, NM_001164618.2, NM_001164619.2); short protein forms G3R.
Identifiers: ClinVar variation 2131929 (VCV002131929.4), dbSNP rs746757085, ClinGen allele CA10520897.